The following is an entry in ClinVar:

NM_001323289.2(CDKL5):c.1930C>T (p.Leu644Phe)

Gene: CDKL5 (cyclin dependent kinase like 5; plus strand). Cytogenetic location: Xp22.13.
Variant type: single nucleotide variant.
Coding change: c.1930C>T on transcript NM_001323289.2 (MANE Select); coding-DNA position 1930, C replaced by T.
Protein change: p.Leu644Phe; replaces leucine 644 with phenylalanine.
Molecular consequence: missense variant.
Genome position (GRCh38, 1-based): chrX:18,604,854, C>T. VCF-style: chrX-18604854-C-T. GRCh37 (hg19) VCF-style: chrX-18622974-C-T.
Other names: NM_001323289.2(CDKL5):c.1930C>T; p.Leu644Phe; c.1930C>T, p.Leu644Phe (NM_001037343.2, NM_003159.3); short protein forms L644F.
Identifiers: ClinVar variation 393097 (VCV000393097.12), dbSNP rs1057524785, ClinGen allele CA16608795.

ClinVar aggregate classification (germline): Uncertain significance. Review status: reviewed by expert panel (3 of 4 stars). 4 submissions from 4 submitters: Uncertain significance (1). 3 of the submissions do not count toward it. Last evaluated 2023-02-20.

Conditions:
Developmental and epileptic encephalopathy, 2 (DEE2). Also called: INFANTILE SPASM SYNDROME, X-LINKED 2; CDKL5 deficiency disorder. Identifiers: Orphanet 1934, Orphanet 3451, Orphanet 505652, MedGen C4750718, MONDO:0010396, OMIM 300672.
Angelman syndrome-like. Identifiers: MedGen CN128785.
CDKL5 disorder. Identifiers: MedGen CN296942, MONDO:0100039.

Allele frequency attached by ClinVar (database versions not stated): TOPMed 0.00001.

Submissions (4):

ClinGen Rett and Angelman-like Disorders Variant Curation Expert Panel
Classification: Uncertain significance for CDKL5 disorder. Last evaluated: 2023-02-20. Review status: reviewed by expert panel. Criteria: ClinGen RettAS ACMG Specifications V2. Collection method: curation. Allele origin: germline. Inheritance: X-linked inheritance.
Comment: The p.Leu644Phe variant in CDKL5 is absent from gnomAD (PM2_Supporting). In summary, the p.Leu644Phe variant in CDKL5 is classified as Uncertain significance based on the ACMG/AMP criteria (VUS).

Labcorp Genetics (formerly Invitae), Labcorp
Classification: Uncertain significance for Developmental and epileptic encephalopathy, 2; Angelman syndrome-like. Last evaluated: 2024-06-11. Review status: criteria provided, single submitter. Criteria: Invitae Variant Classification Sherloc (09022015). Collection method: clinical testing. Allele origin: germline. Not counted in ClinVar's aggregate classification.
Comment: This sequence change replaces leucine, which is neutral and non-polar, with phenylalanine, which is neutral and non-polar, at codon 644 of the CDKL5 protein (p.Leu644Phe). This variant is not present in population databases (gnomAD no frequency). This variant has not been reported in the literature in individuals affected with CDKL5-related conditions. ClinVar contains an entry for this variant (Variation ID: 393097). Advanced modeling of protein sequence and biophysical properties (such as structural, functional, and spatial information, amino acid conservation, physicochemical variation, residue mobility, and thermodynamic stability) performed at Invitae indicates that this missense variant is not expected to disrupt CDKL5 protein function with a negative predictive value of 95%. In summary, the available evidence is currently insufficient to determine the role of this variant in disease. Therefore, it has been classified as a Variant of Uncertain Significance.

Women's Health and Genetics/Laboratory Corporation of America, LabCorp
Classification: Uncertain significance. Last evaluated: 2024-06-06. Review status: criteria provided, single submitter. Criteria: LabCorp Variant Classification Summary - May 2015. Collection method: clinical testing. Allele origin: germline. Not counted in ClinVar's aggregate classification.
Comment: Variant summary: CDKL5 c.1930C>T (p.Leu644Phe) results in a non-conservative amino acid change in the encoded protein sequence. Three of five in-silico tools predict a damaging effect of the variant on protein function. The variant was absent in 182657 control chromosomes. The available data on variant occurrences in the general population are insufficient to allow any conclusion about variant significance. To our knowledge, no occurrence of c.1930C>T in individuals affected with Early Infantile Epileptic Encephalopathy 2 and no experimental evidence demonstrating its impact on protein function have been reported. ClinVar contains an entry for this variant (Variation ID: 393097). Based on the evidence outlined above, the variant was classified as uncertain significance.

GeneDx
Classification: Likely benign. Last evaluated: 2017-02-27. Review status: criteria provided, single submitter. Criteria: GeneDx Variant Classification (06012015). Collection method: clinical testing. Allele origin: germline. Affected: yes. Not counted in ClinVar's aggregate classification.
Comment: This variant is considered likely benign or benign based on one or more of the following criteria: it is a conservative change, it occurs at a poorly conserved position in the protein, it is predicted to be benign by multiple in silico algorithms, and/or has population frequency not consistent with disease.